The following is an entry in ClinVar:

NM_000548.5(TSC2):c.5320_5326del (p.Ser1774fs)

Gene: TSC2 (TSC complex subunit 2; plus strand). Cytogenetic location: 16p13.3.
Variant type: Deletion.
Coding change: c.5320_5326del on transcript NM_000548.5 (MANE Select); coding-DNA positions 5320 to 5326, 7 bases deleted (AGCAAAG; older notation c.5320_5326delAGCAAAG).
Protein change: p.Ser1774fs; shifts the reading frame from serine 1774.
Molecular consequence: frameshift variant.
Genome position (GRCh38, 1-based): chr16:2,088,506-2,088,512, AGCAAAG deleted. VCF-style (leftmost placement, unchanged base first): chr16-2088505-TAGCAAAG-T. GRCh37 (hg19) VCF-style: chr16-2138506-TAGCAAAG-T.
Other names: c.5119_5125del, p.Ser1707fs (NM_001077183.3); c.5251_5257del, p.Ser1751fs (NM_001114382.3); c.5011_5017del, p.Ser1671fs (NM_001318827.2); c.4975_4981del, p.Ser1659fs (NM_001318829.2); c.4588_4594del, p.Ser1530fs (NM_001318831.2); c.5152_5158del, p.Ser1718fs (NM_001318832.2); c.5122_5128del, p.Ser1708fs (NM_001363528.2); c.5188_5194del, p.Ser1730fs (NM_001370404.1); and 2 more; short protein forms S1707fs, S1730fs, S1671fs, S1731fs, S1751fs, S1659fs, S1708fs, S1718fs.
Identifiers: ClinVar variation 847289 (VCV000847289.7), dbSNP rs2091199193, ClinGen allele CA916081803.
Genomic context (GRCh38, chr16:2,088,505, plus strand): 5'-GATCTGCGAGGAAGCCGCCTACTCCAACCCCAGCCTACCTCTGGTGCACCCTCCGTCCCA[TAGCAAAG>T]CCCCTGCACAGACTCCAGCCGAGCCCACACCTGGCTATGAGGTGGGCCAGCGGAAGCGCC-3'

ClinVar aggregate classification (germline): Uncertain significance (1 of 4 stars; one submission).

Conditions:
Tuberous sclerosis 2 (TSC2). Identifiers: Orphanet 805, MedGen C1860707, MONDO:0013199, OMIM 613254.

Submission:

Labcorp Genetics (formerly Invitae), Labcorp
Classification: Uncertain significance for Tuberous sclerosis 2. Last evaluated: 2025-07-07. Review status: criteria provided, single submitter. Criteria: Invitae Variant Classification Sherloc (09022015). Collection method: clinical testing. Allele origin: germline.
Comment: This sequence change is expected to alter the c-terminus of the TSC2 protein (p.Ser1774Profs*50). While this is not anticipated to result in nonsense mediated decay, it is expected to disrupt the last 34 amino acid(s) of the TSC2 protein and extend the protein by 15 additional amino acid residues. This variant is not present in population databases (gnomAD no frequency). This variant has not been reported in the literature in individuals affected with TSC2-related conditions. ClinVar contains an entry for this variant (Variation ID: 847289). Algorithms developed to predict the effect of sequence changes on RNA splicing suggest that this variant may create or strengthen a splice site. In summary, the available evidence is currently insufficient to determine the role of this variant in disease. Therefore, it has been classified as a Variant of Uncertain Significance.